The following is an entry in ClinVar:

ClinVar aggregate classification (germline): Pathogenic (1 of 4 stars; one submission).

Submission:

Labcorp Genetics (formerly Invitae), Labcorp
Classification: Pathogenic. Last evaluated: 2023-02-04. Review status: criteria provided, single submitter. Criteria: Invitae Variant Classification Sherloc (09022015). Collection method: clinical testing. Allele origin: germline.
Comment: This sequence change creates a premature translational stop signal (p.Asp526Thrfs*48) in the PCDH15 gene. It is expected to result in an absent or disrupted protein product. Loss-of-function variants in PCDH15 are known to be pathogenic (PMID: 11398101, 11487575, 14570705). This variant is not present in population databases (gnomAD no frequency). This variant has not been reported in the literature in individuals affected with PCDH15-related conditions. For these reasons, this variant has been classified as Pathogenic.

Literature cited by the submitters: PubMed 11398101; PubMed 11487575; PubMed 14570705.

NM_001384140.1(PCDH15):c.1576del (p.Asp526fs)

Gene: PCDH15 (protocadherin related 15; minus strand). Cytogenetic location: 10q21.1.
Variant type: Deletion.
Coding change: c.1576del on transcript NM_001384140.1 (MANE Select); coding-DNA position 1576, one base deleted (G; older notation c.1576delG).
Protein change: p.Asp526fs; shifts the reading frame from aspartic acid 526.
Molecular consequence: frameshift variant.
Genome position (GRCh38, 1-based): chr10:54,183,458, C deleted on the plus strand (G on the coding strand, the reverse complement: PCDH15 is on the minus strand); the first of 4 consecutive C bases (chr10:54,183,458-54,183,461); deleting any one gives the same sequence. VCF-style (leftmost placement, unchanged base first): chr10-54183457-TC-T. GRCh37 (hg19) VCF-style: chr10-55943217-TC-T.
Other names: c.1591del, p.Asp531fs (NM_001142763.2, NM_001142771.2); c.1576del, p.Asp526fs (NM_001142764.2, NM_001142765.2, NM_001142766.2 and 6 more transcripts); c.1465del, p.Asp489fs (NM_001142767.2); c.1510del, p.Asp504fs (NM_001142768.2, NM_001142773.2, NM_001354404.2); c.1609delG, p.Asp538Thrfs (NM_001142769.4); c.1597del, p.Asp533fs (NM_001354411.2); short protein forms D504fs, D526fs, D538fs, D531fs, D489fs, D533fs.
Identifiers: ClinVar variation 2834517 (VCV002834517.3), dbSNP rs2539474441, ClinGen allele CA2739265415.